The following is an entry in ClinVar:

ClinVar aggregate classification (germline): Uncertain significance (1 of 4 stars; one submission).

Conditions:
Familial thoracic aortic aneurysm and aortic dissection (TAAD). Also called: Thoracic aortic aneurysms and dissections. Identifiers: Orphanet 91387, MedGen C4707243, MONDO:0019625.

Submission:

Ambry Genetics
Classification: Uncertain significance for Familial thoracic aortic aneurysm and aortic dissection. Last evaluated: 2025-03-14. Review status: criteria provided, single submitter. Criteria: Ambry Variant Classification Scheme 2023. Collection method: clinical testing. Allele origin: germline.
Comment: The p.C1154W variant (also known as c.3462C>G), located in coding exon 21 of the NOTCH1 gene, results from a C to G substitution at nucleotide position 3462. The cysteine at codon 1154 is replaced by tryptophan, an amino acid with highly dissimilar properties. This amino acid position is conserved. In addition, this alteration is predicted to be deleterious by in silico analysis. Based on the available evidence, the clinical significance of this variant remains unclear.

NM_017617.5(NOTCH1):c.3462C>G (p.Cys1154Trp)

Gene: NOTCH1 (notch receptor 1; minus strand). Cytogenetic location: 9q34.3.
Variant type: single nucleotide variant.
Coding change: c.3462C>G on transcript NM_017617.5 (MANE Select); coding-DNA position 3462, C replaced by G.
Protein change: p.Cys1154Trp; replaces cysteine 1154 with tryptophan.
Molecular consequence: missense variant.
Genome position (GRCh38, 1-based): chr9:136,508,003, G>C on the plus strand (C>G on the coding strand, the complement: NOTCH1 is on the minus strand). VCF-style: chr9-136508003-G-C. GRCh37 (hg19) VCF-style: chr9-139402455-G-C.
Other names: short protein forms C1154W.
Identifiers: ClinVar variation 3880504 (VCV003880504.1).
Genomic context (GRCh38, chr9:136,508,003, plus strand): 5'-AGGGACCCCCACCTTGCAGGAGTAGCCGCCCAGGTAGTCCGTGCAGGTGGCCCCGTTCTG[G>C]CAGGGGCTGGGTGAGCACTCGTCCACCAGGTCCTCACAGTAGCTGCCTGTGTAGCCCGCC-3'
Protein context (NP_060087.3, residues 1144-1164): DLVDECSPSP[Cys1154Trp]QNGATCTDYL